The following is an entry in ClinVar:

ClinVar aggregate classification (germline): Conflicting classifications of pathogenicity. Review status: criteria provided, conflicting classifications (1 of 4 stars). 2 submissions from 2 submitters: Uncertain significance (1); Likely benign (1). Last evaluated 2024-09-08.

gnomAD v4.1: 127 of 1,612,096 alleles (0.0079%); highest among the groups gnomAD compares: Non-Finnish European, 0.0097%; no homozygotes.

Submissions (2):

Labcorp Genetics (formerly Invitae), Labcorp
Classification: Uncertain significance. Last evaluated: 2024-09-08. Review status: criteria provided, single submitter. Criteria: Invitae Variant Classification Sherloc (09022015). Collection method: clinical testing. Allele origin: germline.
Comment: This sequence change replaces alanine, which is neutral and non-polar, with threonine, which is neutral and polar, at codon 64 of the FGF23 protein (p.Ala64Thr). This variant is present in population databases (rs549208698, gnomAD 0.005%). This variant has not been reported in the literature in individuals affected with FGF23-related conditions. An algorithm developed to predict the effect of missense changes on protein structure and function outputs the following: PolyPhen-2: "Benign". The threonine amino acid residue is found in multiple mammalian species, which suggests that this missense change does not adversely affect protein function. In summary, the available evidence is currently insufficient to determine the role of this variant in disease. Therefore, it has been classified as a Variant of Uncertain Significance.

Blueprint Genetics
Classification: Likely benign. Last evaluated: 2024-05-22. Review status: criteria provided, single submitter. Criteria: ACMG Guidelines, 2015. Collection method: clinical testing. Allele origin: germline.

NM_020638.3(FGF23):c.190G>A (p.Ala64Thr)

Gene: FGF23 (fibroblast growth factor 23; minus strand). Cytogenetic location: 12p13.32.
Variant type: single nucleotide variant.
Coding change: c.190G>A on transcript NM_020638.3 (MANE Select); coding-DNA position 190, G replaced by A.
Protein change: p.Ala64Thr; replaces alanine 64 with threonine.
Molecular consequence: missense variant.
Genome position (GRCh38, 1-based): chr12:4,379,393, C>T on the plus strand (G>A on the coding strand, the complement: FGF23 is on the minus strand). VCF-style: chr12-4379393-C-T. GRCh37 (hg19) VCF-style: chr12-4488559-C-T.
Other names: short protein forms A64T.
Identifiers: ClinVar variation 3634117 (VCV003634117.3).